The following is an entry in ClinVar:

ClinVar aggregate classification (germline): Uncertain significance (1 of 4 stars; one submission).

Submission:

Labcorp Genetics (formerly Invitae), Labcorp
Classification: Uncertain significance. Last evaluated: 2022-07-19. Review status: criteria provided, single submitter. Criteria: Invitae Variant Classification Sherloc (09022015). Collection method: clinical testing. Allele origin: germline.
Comment: In summary, the available evidence is currently insufficient to determine the role of this variant in disease. Therefore, it has been classified as a Variant of Uncertain Significance. This sequence change replaces leucine, which is neutral and non-polar, with histidine, which is basic and polar, at codon 245 of the NYX protein (p.Leu245His). This variant is not present in population databases (gnomAD no frequency). This variant has not been reported in the literature in individuals affected with NYX-related conditions. ClinVar contains an entry for this variant (Variation ID: 1415091). Algorithms developed to predict the effect of missense changes on protein structure and function (SIFT, PolyPhen-2, Align-GVGD) all suggest that this variant is likely to be disruptive.

NM_001378477.3(NYX):c.719T>A (p.Leu240His)

Gene: NYX (nyctalopin; plus strand). Cytogenetic location: Xp11.4.
Variant type: single nucleotide variant.
Coding change: c.719T>A on transcript NM_001378477.3 (MANE Select); coding-DNA position 719, T replaced by A.
Protein change: p.Leu240His; replaces leucine 240 with histidine.
Molecular consequence: missense variant.
Genome position (GRCh38, 1-based): chrX:41,474,187, T>A. VCF-style: chrX-41474187-T-A. GRCh37 (hg19) VCF-style: chrX-41333440-T-A.
Other names: c.719T>A, p.Leu240His (NM_022567.3); short protein forms L240H.
Identifiers: ClinVar variation 1415091 (VCV001415091.6), dbSNP rs2147025960, ClinGen allele CA412991128.